The following is an entry in ClinVar:

ClinVar aggregate classification (germline): Pathogenic (1 of 4 stars; one submission).

Conditions:
Cerebral cavernous malformation (CCM). Also called: CAVERNOUS ANGIOMA, FAMILIAL; CAVERNOUS ANGIOMATOUS MALFORMATIONS; CEREBRAL CAPILLARY MALFORMATIONS; Cavernous Hemangioma of Brain; Cerebral cavernous malformations; Cerebral cavernous hemangioma (type). Identifiers: Orphanet 221061, MedGen C2919945, MONDO:0000820, OMIM 116860, HP:0033522.

Submission:

Labcorp Genetics (formerly Invitae), Labcorp
Classification: Pathogenic for Cerebral cavernous malformation. Last evaluated: 2025-07-21. Review status: criteria provided, single submitter. Criteria: Invitae Variant Classification Sherloc (09022015). Collection method: clinical testing. Allele origin: germline.
Comment: This sequence change creates a premature translational stop signal (p.Gln316Serfs*2) in the KRIT1 gene. It is expected to result in an absent or disrupted protein product. Loss-of-function variants in KRIT1 are known to be pathogenic (PMID: 10508515, 11222804, 12404106, 24689081). This variant is not present in population databases (gnomAD no frequency). This variant has not been reported in the literature in individuals affected with KRIT1-related conditions. Algorithms developed to predict the effect of sequence changes on RNA splicing suggest that this variant may disrupt the consensus splice site. For these reasons, this variant has been classified as Pathogenic.

Literature cited by the submitters: PubMed 10508515; PubMed 11222804; PubMed 12404106; PubMed 24689081.

NM_194454.3(KRIT1):c.946del (p.Gln316fs)

Gene: KRIT1 (KRIT1 ankyrin repeat containing; minus strand). Cytogenetic location: 7q21.2.
Variant type: Deletion.
Coding change: c.946del on transcript NM_194454.3 (MANE Select); coding-DNA position 946, one base deleted (C; older notation c.946delC).
Protein change: p.Gln316fs; shifts the reading frame from glutamine 316.
Molecular consequence: frameshift variant. On other transcripts: intron variant (3).
Genome position (GRCh38, 1-based): chr7:92,234,492, G deleted on the plus strand (C on the coding strand, the reverse complement: KRIT1 is on the minus strand); the first of 2 consecutive G bases (chr7:92,234,492-92,234,493); deleting either gives the same sequence. VCF-style (leftmost placement, unchanged base first): chr7-92234491-TG-T. GRCh37 (hg19) VCF-style: chr7-91863805-TG-T.
Other names: c.232del, p.Gln78fs (NM_001350671.1); c.946del, p.Gln316fs (NM_001350672.1, NM_001350673.1, NM_001350674.1 and 26 more transcripts); c.845+316del (NM_001350669.1, NM_001013406.2, NM_001350670.1); short protein forms Q316fs, Q78fs.
Identifiers: ClinVar variation 4810980 (VCV004810980.1).